The following is an entry in ClinVar:

ClinVar aggregate classification (germline): Likely pathogenic (1 of 4 stars; one submission).

Conditions:
Tay-Sachs disease (TSD). Also called: HEXA DEFICIENCY; GM2 gangliosidosis, type 1; Hexosaminidase alpha-subunit deficiency (variant B); Sphingolipidosis, Tay-Sachs; HEXA Disorders; Hexosaminidase A Deficiency. Identifiers: Orphanet 845, MedGen C0039373, MONDO:0010100, OMIM 272800.

Submission:

Natera, Inc.
Classification: Likely pathogenic for Tay-Sachs disease. Last evaluated: 2025-05-26. Review status: criteria provided, single submitter. Criteria: Natera Variant Classification Schema (03/2026). Collection method: clinical testing. Allele origin: germline.
Comment: The c.1194_1197del variant in HEXA is a frameshift variant predicted to shift the reading frame beginning at codon 399 and leads to a stop codon 2 codons downstream. This variant is expected to result in nonsense mediated decay, truncation, or a dysfunctional protein product. This variant is rare in the general population with a frequency below the threshold expected for the associated phenotype(s). Given the available evidence, this variant is classified as Likely Pathogenic.

NM_000520.6(HEXA):c.1194_1197del (p.Asn399fs)

Gene: HEXA (hexosaminidase subunit alpha; minus strand). Cytogenetic location: 15q23.
Variant type: Deletion.
Coding change: c.1194_1197del on transcript NM_000520.6 (MANE Select); coding-DNA positions 1194 to 1197, 4 bases deleted (GAAC; older notation c.1194_1197delGAAC).
Protein change: p.Asn399fs; shifts the reading frame from asparagine 399.
Molecular consequence: frameshift variant.
Genome position (GRCh38, 1-based): chr15:72,346,660-72,346,663, GTTC deleted on the plus strand (GAAC on the coding strand, the reverse complement: HEXA is on the minus strand). VCF-style (leftmost placement, unchanged base first): chr15-72346659-AGTTC-A. GRCh37 (hg19) VCF-style: chr15-72639000-AGTTC-A.
Other names: c.1227_1230del, p.Asn410fs (NM_001318825.2); short protein forms N399fs, N410fs.
Identifiers: ClinVar variation 4069125 (VCV004069125.2).